The following is an entry in ClinVar:

NM_198935.3(SS18L1):c.609C>T (p.Gly203=)

Gene: SS18L1 (SS18L1 subunit of BAF chromatin remodeling complex; plus strand). Cytogenetic location: 20q13.33.
Variant type: single nucleotide variant.
Coding change: c.609C>T on transcript NM_198935.3 (MANE Select); coding-DNA position 609, C replaced by T.
Protein change: p.Gly203=; no amino-acid change (glycine 203 retained).
Molecular consequence: synonymous variant. On other transcripts: non-coding transcript variant (2).
Genome position (GRCh38, 1-based): chr20:62,163,510, C>T. VCF-style: chr20-62163510-C-T. GRCh37 (hg19) VCF-style: chr20-60738566-C-T.
Other names: c.216C>T, p.Gly72= (NM_001301778.2).
Identifiers: ClinVar variation 1238855 (VCV001238855.6), dbSNP rs73309164, ClinGen allele CA9937191.

ClinVar aggregate classification (germline): Benign. Review status: criteria provided, multiple submitters, no conflicts (2 of 4 stars). 3 submissions from 3 submitters: Benign (2). 1 of the submissions does not count toward it. Last evaluated 2021-05-04.

Conditions:
SS18L1-related disorder. Also called: SS18L1-related condition.

Allele frequency attached by ClinVar (database versions not stated): gnomAD exomes 0.04958 and 0.04994; ExAC 0.05230; 1000 Genomes Project 0.06829; 1000 Genomes Project 30x 0.07027; gnomAD 0.07459 and 0.07703; TOPMed 0.08014; ESP Exome Variant Server 0.08482.
gnomAD v4.1: 84,546 of 1,611,952 alleles (5.2%); highest among the groups gnomAD compares: African/African-American, 15%; 2,868 homozygotes.

Submissions (3):

GeneDx
Classification: Benign. Last evaluated: 2021-05-04. Review status: criteria provided, single submitter. Criteria: GeneDx Variant Classification Process June 2021. Collection method: clinical testing. Allele origin: germline. Affected: yes.

Breakthrough Genomics
Classification: Benign. Review status: criteria provided, single submitter. Criteria: ACMG Guidelines, 2015. Collection method: not provided. Allele origin: germline. Inheritance: Unknown mechanism. Affected: yes.

PreventionGenetics, part of Exact Sciences
Classification: Benign for SS18L1-related condition. Last evaluated: 2019-11-25. Review status: no assertion criteria provided. Collection method: clinical testing. Allele origin: germline. Not counted in ClinVar's aggregate classification.
Comment: This variant is classified as benign based on ACMG/AMP sequence variant interpretation guidelines (Richards et al. 2015 PMID: 25741868, with internal and published modifications).